The following is an entry in ClinVar:

ClinVar aggregate classification (somatic clinical impact): Tier II - Potential (1 of 4 stars; one submission).

Conditions:
Diffuse pediatric-type high-grade glioma, H3-wildtype and IDH-wildtype. Identifiers: MedGen C5669918, MONDO:0858939.

Submission:

Institute for Genomic Medicine (IGM) Clinical Laboratory, Nationwide Children's Hospital
Classification: Tier II - Potential for Diffuse pediatric-type high-grade glioma, H3-wildtype and IDH-wildtype. Assertion type: diagnostic. Clinical significance: supports diagnosis. Last evaluated: 2023-08-01. Review status: criteria provided, single submitter. Criteria: AMP/ASCO/CAP Guidelines, 2017. Collection method: clinical testing. Allele origin: somatic. Affected: yes.
Comment: Variant has Tier II (potential) clinical significance as a diagnostic inclusion criterion in diffuse pediatric-type high-grade glioma, H3-wildtype and IDH-wildtype, based on the following evidence: 1) Documented in one or more cancer databases (e.g., St. Jude Pecan, COSMIC, CIViC, OncoKB). 2) Assists in diagnosis alone or along with other biomarkers based on small studies or few case reports (Evidence Level D; PMID: 28912153).

Literature cited by the submitters: PubMed 28912153.

NM_017617.5(NOTCH1):c.1318_1320dup (p.Cys440_Leu441insCys)

Gene: NOTCH1 (notch receptor 1; minus strand). Cytogenetic location: 9q34.3.
Variant type: Duplication.
Coding change: c.1318_1320dup on transcript NM_017617.5 (MANE Select); coding-DNA positions 1318 to 1320, 3 bases duplicated (TGT; older notation c.1318_1320dupTGT).
Protein change: p.Cys440_Leu441insCys.
Genome position (GRCh38, 1-based): chr9:136,517,873-136,517,875, ACA duplicated on the plus strand (TGT on the coding strand, the reverse complement: NOTCH1 is on the minus strand). VCF-style (leftmost placement, unchanged base first): chr9-136517872-G-GACA. GRCh37 (hg19) VCF-style: chr9-139412324-G-GACA.
Identifiers: ClinVar variation 4530436 (VCV004530436.1).